The following is an entry in ClinVar:

ClinVar aggregate classification (germline): Uncertain significance. Review status: criteria provided, multiple submitters, no conflicts (2 of 4 stars). 2 submissions from 2 submitters: Uncertain significance (2). Last evaluated 2024-10-02.

Allele frequency attached by ClinVar (database versions not stated): gnomAD exomes below 0.00001; TOPMed below 0.00001.

Submissions (2):

Blueprint Genetics
Classification: Uncertain significance. Last evaluated: 2024-10-02. Review status: criteria provided, single submitter. Criteria: ACMG Guidelines, 2015. Collection method: clinical testing. Allele origin: germline.

Labcorp Genetics (formerly Invitae), Labcorp
Classification: Uncertain significance. Last evaluated: 2022-07-19. Review status: criteria provided, single submitter. Criteria: Invitae Variant Classification Sherloc (09022015). Collection method: clinical testing. Allele origin: germline.
Comment: This sequence change replaces alanine, which is neutral and non-polar, with threonine, which is neutral and polar, at codon 161 of the GRM6 protein (p.Ala161Thr). This variant is not present in population databases (gnomAD no frequency). This variant has not been reported in the literature in individuals affected with GRM6-related conditions. ClinVar contains an entry for this variant (Variation ID: 1057301). Advanced modeling of protein sequence and biophysical properties (such as structural, functional, and spatial information, amino acid conservation, physicochemical variation, residue mobility, and thermodynamic stability) performed at Invitae indicates that this missense variant is expected to disrupt GRM6 protein function. In summary, the available evidence is currently insufficient to determine the role of this variant in disease. Therefore, it has been classified as a Variant of Uncertain Significance.

NM_000843.4(GRM6):c.481G>A (p.Ala161Thr)

Gene: GRM6 (glutamate metabotropic receptor 6; minus strand). Cytogenetic location: 5q35.3.
Variant type: single nucleotide variant.
Coding change: c.481G>A on transcript NM_000843.4 (MANE Select); coding-DNA position 481, G replaced by A.
Protein change: p.Ala161Thr; replaces alanine 161 with threonine.
Molecular consequence: missense variant.
Genome position (GRCh38, 1-based): chr5:178,994,464, C>T on the plus strand (G>A on the coding strand, the complement: GRM6 is on the minus strand). VCF-style: chr5-178994464-C-T. GRCh37 (hg19) VCF-style: chr5-178421465-C-T.
Other names: short protein forms A161T.
Identifiers: ClinVar variation 1057301 (VCV001057301.7), dbSNP rs1760736128, ClinGen allele CA362435597.